The following is an entry in ClinVar:

ClinVar aggregate classification (germline): Likely benign (0 of 4 stars; one submission).

Conditions:
TNRC6B-related disorder. Also called: TNRC6B-related condition.

Allele frequency attached by ClinVar (database versions not stated): ExAC 0.00003; TOPMed 0.00007; ESP Exome Variant Server 0.00008; 1000 Genomes Project 0.00020; 1000 Genomes Project 30x 0.00031.
gnomAD v4.1: 74 of 1,613,860 alleles (0.0046%); highest among the groups gnomAD compares: Admixed American, 0.02%; no homozygotes.

Submission:

PreventionGenetics, part of Exact Sciences
Classification: Likely benign for TNRC6B-related condition. Last evaluated: 2019-05-20. Review status: no assertion criteria provided. Collection method: clinical testing. Allele origin: germline.
Comment: This variant is classified as likely benign based on ACMG/AMP sequence variant interpretation guidelines (Richards et al. 2015 PMID: 25741868, with internal and published modifications).

NM_001162501.2(TNRC6B):c.2517G>A (p.Ser839=)

Gene: TNRC6B (trinucleotide repeat containing adaptor 6B; plus strand). Cytogenetic location: 22q13.1.
Variant type: single nucleotide variant.
Coding change: c.2517G>A on transcript NM_001162501.2 (MANE Select); coding-DNA position 2517, G replaced by A.
Protein change: p.Ser839=; no amino-acid change (serine 839 retained).
Molecular consequence: synonymous variant. On other transcripts: intron variant (1).
Genome position (GRCh38, 1-based): chr22:40,266,747, G>A. VCF-style: chr22-40266747-G-A. GRCh37 (hg19) VCF-style: chr22-40662751-G-A.
Other names: c.2517G>A, p.Ser839= (NM_015088.3); c.566-3375G>A (NM_001024843.2).
Identifiers: ClinVar variation 3041261 (VCV003041261.2), dbSNP rs373711092, ClinGen allele CA10246844.